The following is an entry in ClinVar:

ClinVar aggregate classification (germline): Conflicting classifications of pathogenicity. Review status: criteria provided, conflicting classifications (1 of 4 stars). 3 submissions from 3 submitters: Uncertain significance (2); Likely benign (1). Last evaluated 2024-07-11.

Conditions:
ADNP-related multiple congenital anomalies - intellectual disability - autism spectrum disorder. Also called: Helsmoortel-Van der Aa Syndrome; ADNP-Related Helsmoortel-Van der Aa Syndrome. Identifiers: Orphanet 404448, MedGen C4014538, MONDO:0014379, OMIM 615873. Disease mechanism: loss of function.

Allele frequency attached by ClinVar (database versions not stated): gnomAD exomes 0.00004; 1000 Genomes Project 30x 0.00016; 1000 Genomes Project 0.00020.
gnomAD v4.1: 55 of 1,614,134 alleles (0.0034%); highest among the groups gnomAD compares: East Asian, 0.069%; no homozygotes.

Submissions (3):

Labcorp Genetics (formerly Invitae), Labcorp
Classification: Uncertain significance. Last evaluated: 2024-07-11. Review status: criteria provided, single submitter. Criteria: Invitae Variant Classification Sherloc (09022015). Collection method: clinical testing. Allele origin: germline.
Comment: This sequence change replaces glutamic acid, which is acidic and polar, with lysine, which is basic and polar, at codon 990 of the ADNP protein (p.Glu990Lys). This variant is present in population databases (rs531230573, gnomAD 0.04%). This missense change has been observed in individual(s) with autism spectrum disorder (PMID: 30564305). ClinVar contains an entry for this variant (Variation ID: 1690769). An algorithm developed to predict the effect of missense changes on protein structure and function (PolyPhen-2) suggests that this variant is likely to be tolerated. In summary, the available evidence is currently insufficient to determine the role of this variant in disease. Therefore, it has been classified as a Variant of Uncertain Significance.

Fulgent Genetics
Classification: Uncertain significance for ADNP-related multiple congenital anomalies - intellectual disability - autism spectrum disorder. Last evaluated: 2024-06-12. Review status: criteria provided, single submitter. Criteria: ACMG Guidelines, 2015. Collection method: clinical testing. Allele origin: germline.

Laboratorio de Genetica e Diagnostico Molecular, Hospital Israelita Albert Einstein
Classification: Likely benign. Last evaluated: 2020-01-03. Review status: criteria provided, single submitter. Criteria: ACMG Guidelines, 2015. Collection method: clinical testing. Allele origin: germline. Affected: yes.
Comment: ACMG classification criteria: PM2, BP1, BP4

Literature cited by the submitters: PubMed 30564305 (cited by Labcorp Genetics (formerly Invitae), Labcorp).

NM_001282531.3(ADNP):c.2968G>A (p.Glu990Lys)

Gene: ADNP (activity dependent neuroprotector homeobox; minus strand). Cytogenetic location: 20q13.13.
Variant type: single nucleotide variant.
Coding change: c.2968G>A on transcript NM_001282531.3 (MANE Select); coding-DNA position 2968, G replaced by A.
Protein change: p.Glu990Lys; replaces glutamic acid 990 with lysine.
Molecular consequence: missense variant.
Genome position (GRCh38, 1-based): chr20:50,891,746, C>T on the plus strand (G>A on the coding strand, the complement: ADNP is on the minus strand). VCF-style: chr20-50891746-C-T. GRCh37 (hg19) VCF-style: chr20-49508283-C-T.
Other names: c.2968G>A, p.Glu990Lys (NM_001282532.2, NM_001347511.2, NM_015339.5 and 1 more transcripts); short protein forms E990K.
Identifiers: ClinVar variation 1690769 (VCV001690769.8), dbSNP rs531230573, ClinGen allele CA9908478.
Genomic context (GRCh38, chr20:50,891,746, plus strand): 5'-TACTGCTCCTTGCATCTTCGCTTTGGGAAGACTCGTCAGACCAGGTTCCTGGTTTCATTT[C>T]GCAGGTATTGTCCTCAAAGTCTGACACTTGTTGGGATCCAGGCCCACTCTCAGATGGAGA-3'
Protein context (NP_001269460.1, residues 980-1000): QVSDFEDNTC[Glu990Lys]MKPGTWSDES